The following is an entry in ClinVar:

NM_000492.4(CFTR):c.960dup (p.Ser321fs)

Gene: CFTR (CF transmembrane conductance regulator; plus strand). Cytogenetic location: 7q31.2.
Variant type: Duplication.
Coding change: c.960dup on transcript NM_000492.4 (MANE Select); coding-DNA position 960, one base duplicated (A; older notation c.960dupA).
Protein change: p.Ser321fs; shifts the reading frame from serine 321.
Molecular consequence: frameshift variant.
Genome position (GRCh38, 1-based): chr7:117,540,190, A duplicated. VCF-style (leftmost placement, unchanged base first): chr7-117540189-T-TA. GRCh37 (hg19) VCF-style: chr7-117180243-T-TA.
Other names: short protein forms S321fs.
Identifiers: ClinVar variation 2096431 (VCV002096431.4), dbSNP rs2485026665, ClinGen allele CA2580076446.

ClinVar aggregate classification (germline): Pathogenic (1 of 4 stars; one submission).

Conditions:
Cystic fibrosis (CF). Also called: MUCOVISCIDOSIS. Identifiers: Orphanet 586, MedGen C0010674, MONDO:0009061, OMIM 219700. Disease mechanism: loss of function.

Submission:

Labcorp Genetics (formerly Invitae), Labcorp
Classification: Pathogenic for Cystic fibrosis. Last evaluated: 2024-02-23. Review status: criteria provided, single submitter. Criteria: Invitae Variant Classification Sherloc (09022015). Collection method: clinical testing. Allele origin: germline.
Comment: This sequence change creates a premature translational stop signal (p.Ser321Ilefs*43) in the CFTR gene. It is expected to result in an absent or disrupted protein product. Loss-of-function variants in CFTR are known to be pathogenic (PMID: 1695717, 7691345, 9725922). This variant is not present in population databases (gnomAD no frequency). This premature translational stop signal has been observed in individual(s) with cystic fibrosis (PMID: 27081564). This variant is also known as 959-960insA. ClinVar contains an entry for this variant (Variation ID: 2096431). For these reasons, this variant has been classified as Pathogenic.

Literature cited by the submitters: PubMed 1695717; PubMed 7691345; PubMed 9725922; PubMed 27081564.